The following is an entry in ClinVar:

NM_021614.4(KCNN2):c.795T>C (p.Ala265=)

Gene: KCNN2 (potassium calcium-activated channel subfamily N member 2; plus strand). Cytogenetic location: 5q22.3.
Variant type: single nucleotide variant.
Coding change: c.795T>C on transcript NM_021614.4 (MANE Select); coding-DNA position 795, T replaced by C.
Protein change: p.Ala265=; no amino-acid change (alanine 265 retained).
Molecular consequence: synonymous variant. On other transcripts: non-coding transcript variant (1).
Genome position (GRCh38, 1-based): chr5:114,362,934, T>C. VCF-style: chr5-114362934-T-C. GRCh37 (hg19) VCF-style: chr5-113698631-T-C.
Other names: c.993T>C, p.Ala331= (NM_001372233.1).
Identifiers: ClinVar variation 4820799 (VCV004820799.4).
Genomic context (GRCh38, chr5:114,362,934, plus strand): 5'-CCTGCAGCCCCCCGCGTCTGTCGGAGGAGGTGGCGGCGCGTCCTCCCCGTCTGCAGCCGC[T>C]GCCGCCGCCGCCGCTGTTTCGTCCTCAGCCCCCGAGATCGTGGTGTCTAAGCCCGAGCAC-3'
Protein context (NP_067627.3, residues 255-275): GGGASSPSAA[Ala265=]AAAAAVSSSA

ClinVar aggregate classification (germline): Likely benign (1 of 4 stars; one submission).

gnomAD v4.1: 31 of 1,560,868 alleles (0.002%); highest among the groups gnomAD compares: East Asian, 0.015%; no homozygotes.

Submission:

CeGaT Center for Human Genetics Tuebingen
Classification: Likely benign. Last evaluated: 2026-03-01. Review status: criteria provided, single submitter. Criteria: CeGaT Center For Human Genetics Tuebingen Variant Classification Criteria Version 2. Collection method: clinical testing. Allele origin: germline. Affected: yes. Observed: 1 variant allele.
Comment: KCNN2: BP4, BP7